The following is an entry in ClinVar:

ClinVar aggregate classification (germline): Uncertain significance (1 of 4 stars; one submission).

Conditions:
Brachyolmia-amelogenesis imperfecta syndrome. Also called: PLATYSPONDYLY WITH AMELOGENESIS IMPERFECTA; Tooth agenesis, selective, 6; Dental anomalies and short stature. Identifiers: Orphanet 2899, MedGen C1832594, MONDO:0011018, OMIM 601216. Disease mechanism: loss of function.

Submission:

Labcorp Genetics (formerly Invitae), Labcorp
Classification: Uncertain significance for Brachyolmia-amelogenesis imperfecta syndrome. Last evaluated: 2023-02-14. Review status: criteria provided, single submitter. Criteria: Invitae Variant Classification Sherloc (09022015). Collection method: clinical testing. Allele origin: germline.
Comment: This sequence change replaces glutamine, which is neutral and polar, with histidine, which is basic and polar, at codon 582 of the LTBP3 protein (p.Gln582His). In summary, the available evidence is currently insufficient to determine the role of this variant in disease. Therefore, it has been classified as a Variant of Uncertain Significance. An algorithm developed to predict the effect of missense changes on protein structure and function (PolyPhen-2) suggests that this variant is likely to be disruptive. This variant has not been reported in the literature in individuals affected with LTBP3-related conditions. This variant is not present in population databases (gnomAD no frequency).

NM_001130144.3(LTBP3):c.1746G>C (p.Gln582His)

Gene: LTBP3 (latent transforming growth factor beta binding protein 3; minus strand). Cytogenetic location: 11q13.1.
Variant type: single nucleotide variant.
Coding change: c.1746G>C on transcript NM_001130144.3 (MANE Select); coding-DNA position 1746, G replaced by C.
Protein change: p.Gln582His; replaces glutamine 582 with histidine.
Molecular consequence: missense variant.
Genome position (GRCh38, 1-based): chr11:65,548,020, C>G on the plus strand (G>C on the coding strand, the complement: LTBP3 is on the minus strand). VCF-style: chr11-65548020-C-G. GRCh37 (hg19) VCF-style: chr11-65315491-C-G.
Other names: c.1395G>C, p.Gln465His (NM_001164266.1); c.1746G>C, p.Gln582His (NM_021070.4); short protein forms Q582H, Q465H.
Identifiers: ClinVar variation 2837598 (VCV002837598.3), dbSNP rs2496155760, ClinGen allele CA381272102.
Genomic context (GRCh38, chr11:65,548,020, plus strand): 5'-GTTGCAGTGGCAGGAGTAGTCAGGGGGGCCCGGCACGCACTCTCCGTGGCCACAGATGTT[C>G]TGGTTCAGTCGGCACTCATCAGTCTCTGCGGGCATGGCCAGGTCAAGCGGCAGAGCAGGG-3'
Protein context (NP_001123616.1, residues 572-592): VTETDECRLN[Gln582His]NICGHGECVP